The following is an entry in ClinVar:

NM_002249.6(KCNN3):c.2146G>T (p.Val716Phe)

Gene: KCNN3 (potassium calcium-activated channel subfamily N member 3; minus strand). Cytogenetic location: 1q21.3.
Variant type: single nucleotide variant.
Coding change: c.2146G>T on transcript NM_002249.6 (MANE Select); coding-DNA position 2146, G replaced by T.
Protein change: p.Val716Phe; replaces valine 716 with phenylalanine.
Molecular consequence: missense variant.
Genome position (GRCh38, 1-based): chr1:154,708,026, C>A on the plus strand (G>T on the coding strand, the complement: KCNN3 is on the minus strand). VCF-style: chr1-154708026-C-A. GRCh37 (hg19) VCF-style: chr1-154680502-C-A.
Other names: c.2191G>T, p.Val731Phe (NM_001204087.2); c.1252G>T, p.Val418Phe (NM_001365837.1); c.1207G>T, p.Val403Phe (NM_001365838.1); c.1231G>T, p.Val411Phe (NM_170782.3); short protein forms V403F, V418F, V716F, V411F, V731F.
Identifiers: ClinVar variation 2223927 (VCV002223927.4), dbSNP rs764160677, ClinGen allele CA1131904.
Genomic context (GRCh38, chr1:154,708,026, plus strand): 5'-GGAGATTTATTTAGCAACTGCTTGAACTTGTGTACGGGGTCGGGAAGGAGGTGGAGCTGA[C>A]CCCAATGGGGCTATCGGAGATTGGGGTGTGGGTGGTGCCCACTGCCACGCTGACACCCCG-3'
Protein context (NP_002240.3, residues 706-726): HTPISDSPIG[Val716Phe]SSTSFPTPYT

ClinVar aggregate classification (germline): Uncertain significance. Review status: criteria provided, multiple submitters, no conflicts (2 of 4 stars). 2 submissions from 2 submitters: Uncertain significance (2). Last evaluated 2025-11-10.

Conditions:
Inborn genetic diseases. Identifiers: MedGen C0950123, MeSH D030342.
Zimmermann-Laband syndrome 3. Identifiers: MedGen C5231447, MONDO:0032854, OMIM 618658.

Allele frequency attached by ClinVar (database versions not stated): gnomAD 0.00006; gnomAD exomes 0.00007; ExAC 0.00005; TOPMed 0.00007.
gnomAD v4.1: 118 of 1,613,210 alleles (0.0073%); highest among the groups gnomAD compares: Non-Finnish European, 0.0087%; no homozygotes.

Submissions (2):

Dasa
Classification: Uncertain significance for Zimmermann-Laband syndrome 3. Last evaluated: 2025-11-10. Review status: criteria provided, single submitter. Criteria: DASA Assertion Criteria. Collection method: clinical testing. Allele origin: germline.
Comment: NM_002249.6(KCNN3):c.2146G>T (p.Val716Phe) is a missense variant that results in the substitution of valine with phenylalanine. This variant is rare in population databases. The currently available literature and clinical evidence are not sufficient to establish a definitive association between this variant and the reported condition. Therefore, this variant is classified as a variant of uncertain significance.

Ambry Genetics
Classification: Uncertain significance for Inborn genetic diseases. Last evaluated: 2022-10-03. Review status: criteria provided, single submitter. Criteria: Ambry Variant Classification Scheme 2023. Collection method: clinical testing. Allele origin: germline.